The following is an entry in ClinVar:

ClinVar aggregate classification (germline): Uncertain significance (1 of 4 stars; one submission).

Conditions:
Dextro-looped transposition of the great arteries. Also called: Dextrotransposition of the great arteries. Identifiers: Orphanet 860, MedGen C3531771, MONDO:0019443, OMIM 608808, HP:0031348.

Allele frequency attached by ClinVar (database versions not stated): gnomAD 0.00001; gnomAD exomes 0.00001; TOPMed 0.00004.
gnomAD v4.1: 19 of 1,613,958 alleles (0.0012%); highest among the groups gnomAD compares: South Asian, 0.0022%; no homozygotes.

Submission:

Labcorp Genetics (formerly Invitae), Labcorp
Classification: Uncertain significance for Dextro-looped transposition of the great arteries. Last evaluated: 2022-03-18. Review status: criteria provided, single submitter. Criteria: Invitae Variant Classification Sherloc (09022015). Collection method: clinical testing. Allele origin: germline.
Comment: This sequence change replaces valine, which is neutral and non-polar, with methionine, which is neutral and non-polar, at codon 1119 of the MED13L protein (p.Val1119Met). This variant is present in population databases (rs574079603, gnomAD 0.006%). This variant has not been reported in the literature in individuals affected with MED13L-related conditions. Algorithms developed to predict the effect of missense changes on protein structure and function are either unavailable or do not agree on the potential impact of this missense change (SIFT: "Deleterious"; PolyPhen-2: "Not Available"; Align-GVGD: "Class C0"). In summary, the available evidence is currently insufficient to determine the role of this variant in disease. Therefore, it has been classified as a Variant of Uncertain Significance.

NM_015335.5(MED13L):c.3355G>A (p.Val1119Met)

Gene: MED13L (mediator complex subunit 13L; minus strand). Cytogenetic location: 12q24.21.
Variant type: single nucleotide variant.
Coding change: c.3355G>A on transcript NM_015335.5 (MANE Select); coding-DNA position 3355, G replaced by A.
Protein change: p.Val1119Met; replaces valine 1119 with methionine.
Molecular consequence: missense variant.
Genome position (GRCh38, 1-based): chr12:115,991,599, C>T on the plus strand (G>A on the coding strand, the complement: MED13L is on the minus strand). VCF-style: chr12-115991599-C-T. GRCh37 (hg19) VCF-style: chr12-116429404-C-T.
Other names: short protein forms V1119M.
Identifiers: ClinVar variation 1404911 (VCV001404911.8), dbSNP rs574079603, ClinGen allele CA244149957.